The following is an entry in ClinVar:

ClinVar aggregate classification (germline): Uncertain significance. Review status: criteria provided, multiple submitters, no conflicts (2 of 4 stars). 2 submissions from 2 submitters: Uncertain significance (2). Last evaluated 2026-02-04.

Conditions:
RASopathy. Also called: rasopathies; Noonan spectrum disorder. Identifiers: Orphanet 536391, MedGen C5555857, MONDO:0021060.
Cardiovascular phenotype. Identifiers: MedGen CN230736.

Allele frequency attached by ClinVar (database versions not stated): gnomAD exomes below 0.00001.
gnomAD v4.1: 1 of 1,614,130 alleles (0.000062%); highest among the groups gnomAD compares: East Asian, 0.0022%; no homozygotes.

Submissions (2):

Labcorp Genetics (formerly Invitae), Labcorp
Classification: Uncertain significance for RASopathy. Last evaluated: 2026-02-04. Review status: criteria provided, single submitter. Criteria: Invitae Variant Classification Sherloc (09022015). Collection method: clinical testing. Allele origin: germline.
Comment: This sequence change replaces alanine, which is neutral and non-polar, with proline, which is neutral and non-polar, at codon 515 of the CBL protein (p.Ala515Pro). This variant is present in population databases (no rsID available, gnomAD 0.006%). This variant has not been reported in the literature in individuals affected with CBL-related conditions. ClinVar contains an entry for this variant (Variation ID: 1351890). Invitae Evidence Modeling of protein sequence and biophysical properties (such as structural, functional, and spatial information, amino acid conservation, physicochemical variation, residue mobility, and thermodynamic stability) indicates that this missense variant is not expected to disrupt CBL protein function with a negative predictive value of 95%. In summary, the available evidence is currently insufficient to determine the role of this variant in disease. Therefore, it has been classified as a Variant of Uncertain Significance.

Ambry Genetics
Classification: Uncertain significance for Cardiovascular phenotype. Last evaluated: 2024-11-25. Review status: criteria provided, single submitter. Criteria: Ambry Variant Classification Scheme 2023. Collection method: clinical testing. Allele origin: germline.
Comment: The p.A515P variant (also known as c.1543G>C), located in coding exon 10 of the CBL gene, results from a G to C substitution at nucleotide position 1543. The alanine at codon 515 is replaced by proline, an amino acid with highly similar properties. This amino acid position is conserved. In addition, this alteration is predicted to be tolerated by in silico analysis. Based on the available evidence, the clinical significance of this variant remains unclear.

NM_005188.4(CBL):c.1543G>C (p.Ala515Pro)

Gene: CBL (Cbl proto-oncogene; plus strand). Cytogenetic location: 11q23.3.
Variant type: single nucleotide variant.
Coding change: c.1543G>C on transcript NM_005188.4 (MANE Select); coding-DNA position 1543, G replaced by C.
Protein change: p.Ala515Pro; replaces alanine 515 with proline.
Molecular consequence: missense variant.
Genome position (GRCh38, 1-based): chr11:119,285,080, G>C. VCF-style: chr11-119285080-G-C. GRCh37 (hg19) VCF-style: chr11-119155790-G-C.
Other names: c.1543G>C (NM_005188.2); short protein forms A515P.
Identifiers: ClinVar variation 1351890 (VCV001351890.9), dbSNP rs1171133734, ClinGen allele CA382918504.